The following is an entry in ClinVar:

NM_020822.3(KCNT1):c.711C>T (p.Pro237=)

Gene: KCNT1 (potassium sodium-activated channel subfamily T member 1; plus strand). Cytogenetic location: 9q34.3.
Variant type: single nucleotide variant.
Coding change: c.711C>T on transcript NM_020822.3 (MANE Select); coding-DNA position 711, C replaced by T.
Protein change: p.Pro237=; no amino-acid change (proline 237 retained).
Molecular consequence: synonymous variant.
Genome position (GRCh38, 1-based): chr9:135,757,333, C>T. VCF-style: chr9-135757333-C-T. GRCh37 (hg19) VCF-style: chr9-138649179-C-T.
Other names: c.567C>T, p.Pro189= (NM_001272003.2).
Identifiers: ClinVar variation 508486 (VCV000508486.13), dbSNP rs117286274, ClinGen allele CA5326603.

ClinVar aggregate classification (germline): Likely benign. Review status: criteria provided, multiple submitters, no conflicts (2 of 4 stars). 5 submissions from 4 submitters: Likely benign (5). Last evaluated 2025-05-29.

Conditions:
Developmental and epileptic encephalopathy, 14 (DEE14). Also called: Early infantile epileptic encephalopathy 14. Identifiers: Orphanet 293181, MedGen C3554195, MONDO:0013989, OMIM 614959.
Autosomal dominant nocturnal frontal lobe epilepsy 5. Also called: Epilepsy, nocturnal frontal lobe, 5; KCNT1-Related Epilepsy; CILIARY DYSKINESIA, PRIMARY, 28, WITHOUT SITUS INVERSUS; CILIARY DYSKINESIA, PRIMARY, 28, WITH SITUS INVERSUS. Identifiers: Orphanet 98784, MedGen C3554306, MONDO:0014002, OMIM 615005.

Allele frequency attached by ClinVar (database versions not stated): TOPMed 0.00010.
gnomAD v4.1: 120 of 1,611,626 alleles (0.0074%); highest among the groups gnomAD compares: Middle Eastern, 0.016%; 1 homozygote.

Submissions (5):

Labcorp Genetics (formerly Invitae), Labcorp
Classification: Likely benign for Autosomal dominant nocturnal frontal lobe epilepsy 5; Developmental and epileptic encephalopathy, 14. Last evaluated: 2025-05-29. Review status: criteria provided, single submitter. Criteria: Invitae Variant Classification Sherloc (09022015). Collection method: clinical testing. Allele origin: germline.

Blueprint Genetics
Classification: Likely benign. Last evaluated: 2022-10-03. Review status: criteria provided, single submitter. Criteria: ACMG Guidelines, 2015. Collection method: clinical testing. Allele origin: germline.

Genome-Nilou Lab
Classification: Likely benign for Developmental and epileptic encephalopathy, 14. Last evaluated: 2022-03-15. Review status: criteria provided, single submitter. Criteria: ACMG Guidelines, 2015. Collection method: clinical testing. Allele origin: germline. Affected: no.

Genome-Nilou Lab
Classification: Likely benign for Autosomal dominant nocturnal frontal lobe epilepsy 5. Last evaluated: 2022-03-15. Review status: criteria provided, single submitter. Criteria: ACMG Guidelines, 2015. Collection method: clinical testing. Allele origin: germline. Affected: no.

GeneDx
Classification: Likely benign. Last evaluated: 2017-03-30. Review status: criteria provided, single submitter. Criteria: GeneDx Variant Classification (06012015). Collection method: clinical testing. Allele origin: germline. Affected: yes.
Comment: This variant is considered likely benign or benign based on one or more of the following criteria: it is a conservative change, it occurs at a poorly conserved position in the protein, it is predicted to be benign by multiple in silico algorithms, and/or has population frequency not consistent with disease.